The following is an entry in ClinVar:

ClinVar aggregate classification (germline): Uncertain significance (1 of 4 stars; one submission).

Conditions:
Neuropathy, hereditary sensory, type 1F. Also called: HSN IF; Hereditary sensory neuropathy type IF. Identifiers: Orphanet 36386, MedGen C3810194, MONDO:0014286, OMIM 615632.

Submission:

Labcorp Genetics (formerly Invitae), Labcorp
Classification: Uncertain significance for Neuropathy, hereditary sensory, type 1F. Last evaluated: 2025-07-03. Review status: criteria provided, single submitter. Criteria: Invitae Variant Classification Sherloc (09022015). Collection method: clinical testing. Allele origin: germline.
Comment: This sequence change creates a premature translational stop signal (p.Gly465Argfs*3) in the ATL3 gene. It is expected to result in an absent or disrupted protein product. However, the current clinical and genetic evidence is not sufficient to establish whether loss-of-function variants in ATL3 cause disease. This variant is not present in population databases (gnomAD no frequency). This variant has not been reported in the literature in individuals affected with ATL3-related conditions. ClinVar contains an entry for this variant (Variation ID: 2912472). In summary, the available evidence is currently insufficient to determine the role of this variant in disease. Therefore, it has been classified as a Variant of Uncertain Significance.

NM_015459.5(ATL3):c.1391dup (p.Gly465fs)

Genes: ATL3 (atlastin GTPase 3; minus strand), LNCROPM (lncRNA regulator of PLAAT3 mediated phospholipid metabolism; plus strand). Cytogenetic location: 11q13.1.
Variant type: Duplication.
Coding change: c.1391dup on transcript NM_015459.5 (MANE Select); coding-DNA position 1391, one base duplicated (T; older notation c.1391dupT).
Protein change: p.Gly465fs; shifts the reading frame from glycine 465.
Molecular consequence: frameshift variant.
Genome position (GRCh38, 1-based): chr11:63,631,188, A duplicated on the plus strand (T on the coding strand, the reverse complement: ATL3 is on the minus strand). VCF-style (leftmost placement, unchanged base first): chr11-63631187-T-TA. GRCh37 (hg19) VCF-style: chr11-63398659-T-TA.
Other names: c.1337dup, p.Gly447fs (NM_001290048.2); short protein forms G465fs, G447fs.
Identifiers: ClinVar variation 2912472 (VCV002912472.3), dbSNP rs2495620890, ClinGen allele CA2539520784.
Genomic context (GRCh38, chr11:63,631,187, plus strand): 5'-GAGTGCTATTAACAGTAGTCCAACCATACAGTTGAACAACTGGGCTACAACCTCAAGACC[T>TA]ATGAAGCCAGTGAGGCCTGAGGCTATGTACAAAGCTACAATGCCCGTGAACAGCACTGCA-3'